The following is an entry in ClinVar:

NM_005591.4(MRE11):c.1988A>C (p.Asp663Ala)

Gene: MRE11 (MRE11 double strand break repair nuclease; minus strand). Cytogenetic location: 11q21.
Variant type: single nucleotide variant.
Coding change: c.1988A>C on transcript NM_005591.4 (MANE Select); coding-DNA position 1988, A replaced by C.
Protein change: p.Asp663Ala; replaces aspartic acid 663 with alanine.
Molecular consequence: missense variant.
Genome position (GRCh38, 1-based): chr11:94,435,838, T>G on the plus strand (A>C on the coding strand, the complement: MRE11 is on the minus strand). VCF-style: chr11-94435838-T-G. GRCh37 (hg19) VCF-style: chr11-94169004-T-G.
Other names: c.1985A>C, p.Asp662Ala (NM_001330347.2); c.1904A>C, p.Asp635Ala (NM_005590.4); short protein forms D635A, D663A, D662A.
Identifiers: ClinVar variation 3874328 (VCV003874328.1).

ClinVar aggregate classification (germline): Uncertain significance (1 of 4 stars; one submission).

Conditions:
Hereditary cancer-predisposing syndrome. Also called: Tumor predisposition; Neoplastic Syndromes, Hereditary; Hereditary Cancer Syndrome; Hereditary neoplastic syndrome. Identifiers: Orphanet 140162, MedGen C0027672, MeSH D009386, MONDO:0015356.

gnomAD v4.1: 1 of 1,612,824 alleles (0.000062%); highest among the groups gnomAD compares: African/African-American, 0.0013%; no homozygotes.

Submission:

Ambry Genetics
Classification: Uncertain significance for Hereditary cancer-predisposing syndrome. Last evaluated: 2025-01-19. Review status: criteria provided, single submitter. Criteria: Ambry Variant Classification Scheme 2023. Collection method: clinical testing. Allele origin: germline.
Comment: The p.D663A variant (also known as c.1988A>C), located in coding exon 17 of the MRE11A gene, results from an A to C substitution at nucleotide position 1988. The aspartic acid at codon 663 is replaced by alanine, an amino acid with dissimilar properties. This amino acid position is conserved. In addition, this alteration is predicted to be tolerated by in silico analysis. Based on the available evidence, the clinical significance of this variant remains unclear.